The following is an entry in ClinVar:

ClinVar aggregate classification (germline): Uncertain significance. Review status: criteria provided, multiple submitters, no conflicts (2 of 4 stars). 5 submissions from 5 submitters: Uncertain significance (4). 1 of the submissions does not count toward it. Last evaluated 2024-10-16.

Conditions:
Hereditary cancer-predisposing syndrome. Also called: Tumor predisposition; Neoplastic Syndromes, Hereditary; Hereditary neoplastic syndrome; Hereditary Cancer Syndrome. Identifiers: Orphanet 140162, MedGen C0027672, MeSH D009386, MONDO:0015356.
Ataxia-telangiectasia syndrome (AT). Also called: Ataxia-telangiectasia; Cerebello-oculocutaneous telangiectasia; Immunodeficiency with ataxia telangiectasia; Ataxia-telangiectasia, complementation group D; AT, COMPLEMENTATION GROUP C; ATAXIA-TELANGIECTASIA, COMPLEMENTATION GROUP A. Identifiers: Orphanet 100, MedGen C0004135, MONDO:0008840, OMIM 208900.

Allele frequency attached by ClinVar (database versions not stated): gnomAD exomes below 0.00001.
gnomAD v4.1: 1 of 1,613,426 alleles (0.000062%); highest among the groups gnomAD compares: Non-Finnish European, 0.000085%; no homozygotes.

Submissions (5):

Labcorp Genetics (formerly Invitae), Labcorp
Classification: Uncertain significance for Ataxia-telangiectasia syndrome. Last evaluated: 2024-10-16. Review status: criteria provided, single submitter. Criteria: Invitae Variant Classification Sherloc (09022015). Collection method: clinical testing. Allele origin: germline.
Comment: This sequence change replaces lysine, which is basic and polar, with glutamic acid, which is acidic and polar, at codon 276 of the ATM protein (p.Lys276Glu). This variant is not present in population databases (gnomAD no frequency). This variant has not been reported in the literature in individuals affected with ATM-related conditions. ClinVar contains an entry for this variant (Variation ID: 143025). Invitae Evidence Modeling of protein sequence and biophysical properties (such as structural, functional, and spatial information, amino acid conservation, physicochemical variation, residue mobility, and thermodynamic stability) has been performed for this missense variant. However, the output from this modeling did not meet the statistical confidence thresholds required to predict the impact of this variant on ATM protein function. In summary, the available evidence is currently insufficient to determine the role of this variant in disease. Therefore, it has been classified as a Variant of Uncertain Significance.

Ambry Genetics
Classification: Uncertain significance for Hereditary cancer-predisposing syndrome. Last evaluated: 2024-08-06. Review status: criteria provided, single submitter. Criteria: Ambry Variant Classification Scheme 2023. Collection method: clinical testing. Allele origin: germline.
Comment: The p.K276E variant (also known as c.826A>G), located in coding exon 6 of the ATM gene, results from an A to G substitution at nucleotide position 826. The lysine at codon 276 is replaced by glutamic acid, an amino acid with similar properties. This amino acid position is highly conserved in available vertebrate species. In addition, this alteration is predicted to be deleterious by in silico analysis. Based on the available evidence, the clinical significance of this variant remains unclear.

Spanish ATM Cancer Susceptibility Variant Interpretation Working Group
Classification: Uncertain significance for Hereditary cancer-predisposing syndrome. Last evaluated: 2020-06-17. Review status: criteria provided, single submitter. Criteria: Feliubadaló L et al. (Clin Chem 2021). Collection method: clinical testing. Allele origin: germline. Affected: yes. Observed: 1 variant allele.
Comment: The c.826A>G (p.Lys276Glu) variant is absent from the gnomAD v2.1.1 non-cancer dataset, in a position with adequate coverage (>20x) (PM2). It is not predicted to lead to a splicing alteration according to SPiCE. A new acceptor site is created/activated, according to SSF and MaxEnt, but its score does not exceed the natural one. Furthermore, the in silico protein effect prediction for this missense variant is inconclusive and there is no other supporting data that meet criteria for consideration. Therefore, the clinical significance of this variant is uncertain. Adapted ACMG/AMP rules applied as defined by the Spanish ATM working group: PM2 (PMID: 33280026).

GeneDx
Classification: Uncertain significance. Last evaluated: 2017-02-21. Review status: criteria provided, single submitter. Criteria: GeneDx Variant Classification (06012015). Collection method: clinical testing. Allele origin: germline. Affected: yes.
Comment: This variant is denoted ATM c.826A>G at the cDNA level, p.Lys276Glu (K276E) at the protein level, and results in the change of a Lysine to a Glutamic Acid (AAA>GAA). This variant has not, to our knowledge, been published in the literature as pathogenic or benign. ATM Lys276Glu was not observed in large population cohorts (Lek 2016, The 1000 Genomes Consortium 2015, NHLBI Exome Sequencing Project). Since Lysine and Glutamic Acid differ in polarity, charge, size or other properties, this is considered a non-conservative amino acid substitution. ATM Lys276Glu occurs at a position that is conserved across species and is not located in a known functional domain. Based on currently available evidence, it is unclear whether ATM Lys276Glu is pathogenic or benign. We consider it to be a variant of uncertain significance.

Natera, Inc.
Classification: Uncertain significance for Ataxia-telangiectasia. Last evaluated: 2020-09-16. Review status: no assertion criteria provided. Collection method: clinical testing. Allele origin: germline. Not counted in ClinVar's aggregate classification.

Literature cited by the submitters: PubMed 33280026 (cited by Ambry Genetics).

NM_000051.4(ATM):c.826A>G (p.Lys276Glu)

Gene: ATM (ATM serine/threonine kinase; plus strand). Cytogenetic location: 11q22.3.
Variant type: single nucleotide variant.
Coding change: c.826A>G on transcript NM_000051.4 (MANE Select); coding-DNA position 826, A replaced by G.
Protein change: p.Lys276Glu; replaces lysine 276 with glutamic acid.
Molecular consequence: missense variant.
Genome position (GRCh38, 1-based): chr11:108,244,951, A>G. VCF-style: chr11-108244951-A-G. GRCh37 (hg19) VCF-style: chr11-108115678-A-G.
Other names: c.826A>G, p.Lys276Glu (NM_001351834.2); short protein forms K276E.
Identifiers: ClinVar variation 143025 (VCV000143025.15), dbSNP rs587782902, ClinGen allele CA170049.